The following is an entry in ClinVar:

ClinVar aggregate classification (germline): Likely benign (1 of 4 stars; one submission).

gnomAD v4.1: 35 of 1,613,148 alleles (0.0022%); highest among the groups gnomAD compares: South Asian, 0.027%; 1 homozygote.

Submission:

Mayo Clinic Laboratories, Mayo Clinic
Classification: Likely benign. Last evaluated: 2025-02-07. Review status: criteria provided, single submitter. Criteria: ACMG Guidelines, 2015. Collection method: clinical testing. Allele origin: germline. Observed: 1 variant allele.
Comment: BS2, BP4, BP7

NM_015215.4(CAMTA1):c.1992G>A (p.Thr664=)

Gene: CAMTA1 (calmodulin binding transcription activator 1; plus strand). Cytogenetic location: 1p36.23.
Variant type: single nucleotide variant.
Coding change: c.1992G>A on transcript NM_015215.4 (MANE Select); coding-DNA position 1992, G replaced by A.
Protein change: p.Thr664=; no amino-acid change (threonine 664 retained).
Molecular consequence: synonymous variant.
Genome position (GRCh38, 1-based): chr1:7,664,539, G>A. VCF-style: chr1-7664539-G-A. GRCh37 (hg19) VCF-style: chr1-7724599-G-A.
Other names: p.Thr664=; c.1902G>A, p.Thr634= (NM_001349608.2, NM_001349612.2); c.1992G>A, p.Thr664= (NM_001349609.2, NM_001349610.2, NM_001410737.1); c.1920G>A, p.Thr640= (NM_001410738.1).
Identifiers: ClinVar variation 4684560 (VCV004684560.1).
Genomic context (GRCh38, chr1:7,664,539, plus strand): 5'-GCCCACGGTGAAAACGGAGGCCTCGTCCCAAACCAGCTCCTGCAGCGGTCACGTGGAGAC[G>A]CGGATCGAGTCCACTTCCTCCCTCCACCTCATGCAGTTCCAGGCCAACTTCCAGGCCATG-3'
Protein context (NP_056030.1, residues 654-674): QTSSCSGHVE[Thr664=]RIESTSSLHL